The following is an entry in ClinVar:

NM_000059.4(BRCA2):c.5692GAT[1] (p.Asp1899del)

Gene: BRCA2 (BRCA2 DNA repair associated; plus strand). Cytogenetic location: 13q13.1.
Variant type: Microsatellite.
Coding change: c.5692GAT[1] on transcript NM_000059.4 (MANE Select); one copy of the 3-base unit GAT starting at c.5692; the reference has two copies in a row; one copy, 3 bases deleted.
Protein change: p.Asp1899del; deletes aspartic acid 1899.
Molecular consequence: inframe deletion.
Genome position (GRCh38, 1-based): chr13:32,340,050-32,340,052, GAT deleted; deleting any 3 consecutive bases within chr13:32,340,047-32,340,052 gives the same sequence; the position shown is the placement nearest the transcript's 3' end. VCF-style (leftmost placement, unchanged base first): chr13-32340046-GGAT-G. GRCh37 (hg19) VCF-style: chr13-32914183-GGAT-G.
Other names: c.5695_5697delGAT (NM_000059.3); short protein forms D1899del.
Identifiers: ClinVar variation 925219 (VCV000925219.16), dbSNP rs2072535984, ClinGen allele CA1139663224.

ClinVar aggregate classification (germline): Uncertain significance. Review status: criteria provided, multiple submitters, no conflicts (2 of 4 stars). 3 submissions from 3 submitters: Uncertain significance (3). Last evaluated 2025-09-11.

Conditions:
Hereditary cancer-predisposing syndrome. Also called: Neoplastic Syndromes, Hereditary; Tumor predisposition; Hereditary Cancer Syndrome; Hereditary neoplastic syndrome. Identifiers: Orphanet 140162, MedGen C0027672, MeSH D009386, MONDO:0015356.
Hereditary breast ovarian cancer syndrome. Also called: Hereditary breast and ovarian cancer syndrome; BRCA1- and BRCA2-Associated Hereditary Breast and Ovarian Cancer; Hereditary breast and ovarian cancer; Hereditary breast and ovarian cancer syndrome (HBOC); Breast and ovarian cancer; Hereditary breast and/or ovarian cancer syndrome. Identifiers: Orphanet 145, MedGen C0677776, MeSH D061325, MONDO:0003582. Disease mechanism: loss of function.

Submissions (3):

Labcorp Genetics (formerly Invitae), Labcorp
Classification: Uncertain significance for Hereditary breast ovarian cancer syndrome. Last evaluated: 2025-09-11. Review status: criteria provided, single submitter. Criteria: Invitae Variant Classification Sherloc (09022015). Collection method: clinical testing. Allele origin: germline.
Comment: This variant, c.5695_5697del, results in the deletion of 1 amino acid(s) of the BRCA2 protein (p.Asp1899del), but otherwise preserves the integrity of the reading frame. This variant is not present in population databases (gnomAD no frequency). This variant has been observed in individual(s) with clinical features of BRCA2-related conditions (PMID: 21520333). ClinVar contains an entry for this variant (Variation ID: 925219). Experimental studies and prediction algorithms are not available or were not evaluated, and the functional significance of this variant is currently unknown. In summary, the available evidence is currently insufficient to determine the role of this variant in disease. Therefore, it has been classified as a Variant of Uncertain Significance.

Ambry Genetics
Classification: Uncertain significance for Hereditary cancer-predisposing syndrome. Last evaluated: 2023-12-01. Review status: criteria provided, single submitter. Criteria: Ambry Variant Classification Scheme 2023. Collection method: clinical testing. Allele origin: germline.
Comment: The c.5695_5697delGAT variant (also known as p.D1899del) is located in coding exon 10 of the BRCA2 gene. This variant results from an in-frame GAT deletion at nucleotide positions 5695 to 5697. This results in the in-frame deletion of an aspartic acid at codon 1899. This amino acid position is not well conserved in available vertebrate species. In addition, this alteration is predicted to be deleterious by in silico analysis (Choi Y et al. PLoS ONE. 2012; 7(10):e46688). Since supporting evidence is limited at this time, the clinical significance of this alteration remains unclear.

Color Diagnostics, LLC DBA Color Health
Classification: Uncertain significance for Hereditary cancer-predisposing syndrome. Last evaluated: 2019-07-22. Review status: criteria provided, single submitter. Criteria: ACMG Guidelines, 2015. Collection method: clinical testing. Allele origin: germline.
Comment: This variant causes an in-frame deletion of one amino acid at codon 1899 of the BRCA2 gene. Computational splicing tools suggest that this variant may not impact RNA splicing. To our knowledge, functional assays have not been performed for this variant nor has this variant been reported in individuals affected with hereditary cancer in the literature. This variant has not been identified in the general population by the Genome Aggregation Database (gnomAD). Available evidence is insufficient to determine the role of this variant in disease conclusively. Therefore, this variant is classified as a Variant of Uncertain Significance.

Literature cited by the submitters: PubMed 21520333 (cited by Labcorp Genetics (formerly Invitae), Labcorp).